The following is an entry in ClinVar:

ClinVar aggregate classification (germline): Uncertain significance (1 of 4 stars; one submission).

Conditions:
Hereditary cancer-predisposing syndrome. Also called: Tumor predisposition; Hereditary Cancer Syndrome; Hereditary neoplastic syndrome; Neoplastic Syndromes, Hereditary. Identifiers: Orphanet 140162, MedGen C0027672, MeSH D009386, MONDO:0015356.

Allele frequency attached by ClinVar (database versions not stated): gnomAD exomes below 0.00001.
gnomAD v4.1: 2 of 1,614,130 alleles (0.00012%); highest among the groups gnomAD compares: Non-Finnish European, 0.00017%; no homozygotes.

Submission:

Ambry Genetics
Classification: Uncertain significance for Hereditary cancer-predisposing syndrome. Last evaluated: 2023-07-05. Review status: criteria provided, single submitter. Criteria: Ambry Variant Classification Scheme 2023. Collection method: clinical testing. Allele origin: germline.
Comment: The p.P1639S variant (also known as c.4915C>T), located in coding exon 15 of the APC gene, results from a C to T substitution at nucleotide position 4915. The proline at codon 1639 is replaced by serine, an amino acid with similar properties. This amino acid position is conserved. In addition, in silico predictors for this gene do not accurately predict pathogenicity. Since supporting evidence is limited at this time, the clinical significance of this alteration remains unclear.

NM_000038.6(APC):c.4915C>T (p.Pro1639Ser)

Gene: APC (APC regulator of Wnt signaling pathway; plus strand). Cytogenetic location: 5q22.2.
Variant type: single nucleotide variant.
Coding change: c.4915C>T on transcript NM_000038.6 (MANE Select); coding-DNA position 4915, C replaced by T.
Protein change: p.Pro1639Ser; replaces proline 1639 with serine.
Molecular consequence: missense variant. On other transcripts: non-coding transcript variant (2).
Genome position (GRCh38, 1-based): chr5:112,840,509, C>T. VCF-style: chr5-112840509-C-T. GRCh37 (hg19) VCF-style: chr5-112176206-C-T.
Other names: c.3763C>T, p.Pro1255Ser (NM_001407472.1, NM_001407471.1); c.4915C>T, p.Pro1639Ser (NM_001127510.3, NM_001354895.2, NM_001407450.1); c.4861C>T, p.Pro1621Ser (NM_001127511.3); c.4969C>T, p.Pro1657Ser (NM_001354896.2, NM_001407447.1, NM_001407448.1 and 1 more transcripts); c.4945C>T, p.Pro1649Ser (NM_001354897.2); c.4840C>T, p.Pro1614Ser (NM_001354898.2); c.4831C>T, p.Pro1611Ser (NM_001354899.2); c.4792C>T, p.Pro1598Ser (NM_001354900.2); and 11 more; short protein forms P1255S, P1510S, P1538S, P1649S, P1513S, P1611S, P1632S, P1639S.
Identifiers: ClinVar variation 2624849 (VCV002624849.2), dbSNP rs2149927256, ClinGen allele CA16032102.
Genomic context (GRCh38, chr5:112,840,509, plus strand): 5'-CCATCACAAAACAGGTTGCAACCCCAAAAGCATGTTAGTTTTACACCGGGGGATGATATG[C>T]CACGGGTGTATTGTGTTGAAGGGACACCTATAAACTTTTCCACAGCTACATCTCTAAGTG-3'
Protein context (NP_000029.2, residues 1629-1649): HVSFTPGDDM[Pro1639Ser]RVYCVEGTPI